The following is an entry in ClinVar:

ClinVar aggregate classification (germline): Benign/Likely benign. Review status: criteria provided, multiple submitters, no conflicts (2 of 4 stars). 3 submissions from 3 submitters: Benign (1); Likely benign (2). Last evaluated 2025-12-31.

Conditions:
FLNB-Related Spectrum Disorders.

Allele frequency attached by ClinVar (database versions not stated): gnomAD 0.00008 and 0.00015; TOPMed 0.00022; ExAC 0.00063; 1000 Genomes Project 30x 0.00094; 1000 Genomes Project 0.00100.
gnomAD v4.1: 321 of 1,614,230 alleles (0.02%); highest among the groups gnomAD compares: East Asian, 0.3%; no homozygotes.

Submissions (3):

Labcorp Genetics (formerly Invitae), Labcorp
Classification: Benign. Last evaluated: 2025-12-31. Review status: criteria provided, single submitter. Criteria: Invitae Variant Classification Sherloc (09022015). Collection method: clinical testing. Allele origin: germline.

Blueprint Genetics
Classification: Likely benign. Last evaluated: 2024-09-02. Review status: criteria provided, single submitter. Criteria: ACMG Guidelines, 2015. Collection method: clinical testing. Allele origin: germline.

Illumina Laboratory Services, Illumina
Classification: Likely benign for FLNB-Related Spectrum Disorders. Last evaluated: 2018-01-13. Review status: criteria provided, single submitter. Criteria: ICSL Variant Classification Criteria 13 December 2019. Collection method: clinical testing. Allele origin: germline.
Comment: This variant was observed in the ICSL laboratory as part of a predisposition screen in an ostensibly healthy population. It had not been previously curated by ICSL or reported in the Human Gene Mutation Database (HGMD: prior to June 1st, 2018), and was therefore a candidate for classification through an automated scoring system. Utilizing variant allele frequency, disease prevalence and penetrance estimates, and inheritance mode, an automated score was calculated to assess if this variant is too frequent to cause the disease. Based on the score and internal cut-off values, a variant classified as likely benign is not then subjected to further curation. The score for this variant resulted in a classification of likely benign for this disease.

NM_001457.4(FLNB):c.5532C>T (p.Ile1844=)

Gene: FLNB (filamin B; plus strand). Cytogenetic location: 3p14.3.
Variant type: single nucleotide variant.
Coding change: c.5532C>T on transcript NM_001457.4 (MANE Select); coding-DNA position 5532, C replaced by T.
Protein change: p.Ile1844=; no amino-acid change (isoleucine 1844 retained).
Molecular consequence: synonymous variant.
Genome position (GRCh38, 1-based): chr3:58,146,027, C>T. VCF-style: chr3-58146027-C-T. GRCh37 (hg19) VCF-style: chr3-58131754-C-T.
Other names: c.5625C>T, p.Ile1875= (NM_001164317.2); c.5499C>T, p.Ile1833= (NM_001164318.2); c.5460C>T, p.Ile1820= (NM_001164319.2).
Identifiers: ClinVar variation 902403 (VCV000902403.12), dbSNP rs202240037, ClinGen allele CA2469089.